The following is an entry in ClinVar:

ClinVar aggregate classification (germline): Uncertain significance (1 of 4 stars; one submission).

Conditions:
Severe combined immunodeficiency due to DCLRE1C deficiency (RS-SCID). Also called: SCID, AUTOSOMAL RECESSIVE, T CELL-NEGATIVE, B CELL-NEGATIVE, NK CELL-POSITIVE, WITH SENSITIVITY TO IONIZING RADIATION. Identifiers: Orphanet 275, MedGen C1865371, MONDO:0011225, OMIM 602450.

Allele frequency attached by ClinVar (database versions not stated): ExAC 0.00001.
gnomAD v4.1: 1 of 1,613,694 alleles (0.000062%); highest among the groups gnomAD compares: South Asian, 0.0011%; no homozygotes.

Submission:

Labcorp Genetics (formerly Invitae), Labcorp
Classification: Uncertain significance for Athabaskan severe combined immunodeficiency. Last evaluated: 2021-12-31. Review status: criteria provided, single submitter. Criteria: Invitae Variant Classification Sherloc (09022015). Collection method: clinical testing. Allele origin: germline.
Comment: This sequence change replaces leucine, which is neutral and non-polar, with valine, which is neutral and non-polar, at codon 392 of the DCLRE1C protein (p.Leu392Val). This variant is present in population databases (rs61755347, gnomAD 0.003%). This variant has not been reported in the literature in individuals affected with DCLRE1C-related conditions. Algorithms developed to predict the effect of missense changes on protein structure and function are either unavailable or do not agree on the potential impact of this missense change (SIFT: "Tolerated"; PolyPhen-2: "Probably Damaging"; Align-GVGD: "Class C0"). In summary, the available evidence is currently insufficient to determine the role of this variant in disease. Therefore, it has been classified as a Variant of Uncertain Significance.

NM_001033855.3(DCLRE1C):c.1174C>G (p.Leu392Val)

Gene: DCLRE1C (DNA cross-link repair 1C; minus strand). Cytogenetic location: 10p13.
Variant type: single nucleotide variant.
Coding change: c.1174C>G on transcript NM_001033855.3 (MANE Select); coding-DNA position 1174, C replaced by G.
Protein change: p.Leu392Val; replaces leucine 392 with valine.
Molecular consequence: missense variant. On other transcripts: non-coding transcript variant (4).
Genome position (GRCh38, 1-based): chr10:14,909,313, G>C on the plus strand (C>G on the coding strand, the complement: DCLRE1C is on the minus strand). VCF-style: chr10-14909313-G-C. GRCh37 (hg19) VCF-style: chr10-14951312-G-C.
Other names: c.814C>G, p.Leu272Val (NM_001033857.3, NM_001033858.3, NM_001289077.2 and 2 more transcripts); c.829C>G, p.Leu277Val (NM_001289076.2, NM_001289078.2, NM_001350966.2 and 1 more transcripts); c.1174C>G, p.Leu392Val (NM_001350965.2); short protein forms L277V, L392V, L272V.
Identifiers: ClinVar variation 2005991 (VCV002005991.1), dbSNP rs61755347, ClinGen allele CA5416527.